The following is an entry in ClinVar:

NM_006295.3(VARS1):c.539C>T (p.Ala180Val)

Genes: VARS1 (valyl-tRNA synthetase 1; minus strand), LOC126859651 (CDK7 strongly-dependent group 2 enhancer GRCh37_chr6:31759783-31760982; plus strand). Cytogenetic location: 6p21.33.
Variant type: single nucleotide variant.
Coding change: c.539C>T on transcript NM_006295.3 (MANE Select); coding-DNA position 539, C replaced by T.
Protein change: p.Ala180Val; replaces alanine 180 with valine.
Molecular consequence: missense variant.
Genome position (GRCh38, 1-based): chr6:31,792,879, G>A on the plus strand (C>T on the coding strand, the complement: VARS1 is on the minus strand). VCF-style: chr6-31792879-G-A. GRCh37 (hg19) VCF-style: chr6-31760656-G-A.
Other names: short protein forms A180V.
Identifiers: ClinVar variation 4987390 (VCV004987390.1).

ClinVar aggregate classification (germline): Likely benign (1 of 4 stars; one submission).

Conditions:
VARS1-related disorder. Also called: VARS1-related condition.

gnomAD v4.1: 141 of 1,614,160 alleles (0.0087%); highest among the groups gnomAD compares: African/African-American, 0.18%; no homozygotes.

Submission:

PreventionGenetics, part of Exact Sciences
Classification: Likely benign for VARS1-related condition. Last evaluated: 2025-01-30. Review status: criteria provided, single submitter. Criteria: ACMG Guidelines, 2015. Collection method: clinical testing. Allele origin: germline.
Comment: This variant is classified as likely benign based on ACMG/AMP sequence variant interpretation guidelines (Richards et al. 2015 PMID: 25741868, with internal and published modifications).